The following is an entry in ClinVar:

ClinVar aggregate classification (germline): Likely pathogenic. Review status: criteria provided, multiple submitters, no conflicts (2 of 4 stars). 2 submissions from 2 submitters: Likely pathogenic (2). Last evaluated 2022-03-05.

Conditions:
TTN-related disorder. Also called: TTN-related condition; TTN-related disease; TTN-related disorders.
Dilated cardiomyopathy 1G (CMD1G). Identifiers: Orphanet 154, MedGen C1858763, MONDO:0011400, OMIM 604145.
Autosomal recessive limb-girdle muscular dystrophy type 2J (LGMDR10). Also called: MUSCULAR DYSTROPHY, LIMB-GIRDLE, AUTOSOMAL RECESSIVE 10; Limb-girdle muscular dystrophy, type 2J. Identifiers: Orphanet 140922, MedGen C1837342, MONDO:0012127, OMIM 608807.

Submissions (2):

Labcorp Genetics (formerly Invitae), Labcorp
Classification: Likely pathogenic for Dilated cardiomyopathy 1G; Autosomal recessive limb-girdle muscular dystrophy type 2J. Last evaluated: 2022-03-05. Review status: criteria provided, single submitter. Criteria: Invitae Variant Classification Sherloc (09022015). Collection method: clinical testing. Allele origin: germline.
Comment: In summary, the currently available evidence indicates that the variant is pathogenic, but additional data are needed to prove that conclusively. Therefore, this variant has been classified as Likely Pathogenic. This sequence change creates a premature translational stop signal (p.Tyr27504*) in the TTN gene. While this is not anticipated to result in nonsense mediated decay, it is expected to create a truncated TTN protein. This variant is not present in population databases (gnomAD no frequency). This variant has not been reported in the literature in individuals affected with TTN-related conditions. This variant is located in the A band of TTN (PMID: 25589632). Truncating variants in this region are significantly overrepresented in patients affected with dilated cardiomyopathy (PMID: 25589632). Truncating variants in this region have also been reported in individuals affected with autosomal recessive centronuclear myopathy (PMID: 23975875).

Blueprint Genetics
Classification: Likely pathogenic for TTN-related disorders. Last evaluated: 2020-09-29. Review status: criteria provided, single submitter. Criteria: ACMG Guidelines, 2015. Collection method: clinical testing. Allele origin: germline. Affected: yes. Observed: 2 variant alleles.

Literature cited by the submitters: PubMed 25589632 (cited by Labcorp Genetics (formerly Invitae), Labcorp); PubMed 23975875 (cited by Labcorp Genetics (formerly Invitae), Labcorp).

NM_001267550.2(TTN):c.82512C>A (p.Tyr27504Ter)

Genes: TTN (titin; minus strand), TTN-AS1 (TTN antisense RNA 1; plus strand). Cytogenetic location: 2q31.2.
Variant type: single nucleotide variant.
Coding change: c.82512C>A on transcript NM_001267550.2 (MANE Select); coding-DNA position 82512, C replaced by A.
Protein change: p.Tyr27504Ter; replaces tyrosine 27504 with a stop codon.
Molecular consequence: nonsense.
Genome position (GRCh38, 1-based): chr2:178,563,620, G>T on the plus strand (C>A on the coding strand, the complement: TTN is on the minus strand). VCF-style: chr2-178563620-G-T. GRCh37 (hg19) VCF-style: chr2-179428347-G-T.
Other names: c.77589C>A, p.Tyr25863Ter (NM_001256850.1); c.55317C>A, p.Tyr18439Ter (NM_003319.4); c.74808C>A, p.Tyr24936Ter (NM_133378.4); c.55692C>A, p.Tyr18564Ter (NM_133432.3); c.55893C>A, p.Tyr18631Ter (NM_133437.4); short protein forms Y24936*, Y27504*, Y18439*, Y18631*, Y18564*, Y25863*.
Identifiers: ClinVar variation 1505165 (VCV001505165.7), dbSNP rs1181684993, ClinGen allele CA349573151.